The following is an entry in ClinVar:

ClinVar aggregate classification (germline): Likely pathogenic (1 of 4 stars; one submission).

Submission:

Clinical Genomics Laboratory, Laboratory for Precision Diagnostics, University of Washington
Classification: Likely pathogenic. Last evaluated: 2018-10-25. Review status: criteria provided, single submitter. Criteria: Clinical Cytogenomics Laboratory Policy on CNV Interpretation. Collection method: clinical testing. Allele origin: unknown. Affected: yes. Observed: 1 variant allele.

Literature cited by the submitters: PubMed 22140086; PubMed 21739574; PubMed 20132918; PubMed 21355048; PubMed 28690489; PubMed 24038936.

GRCh37/hg19 Xp22.31(chrX:6596639-8135053)x3

Genes: PNPLA4 (patatin like domain 4, phospholipase and triacylglycerol lipase; minus strand), PUDP (pseudouridine 5'-phosphatase; minus strand), STS (steroid sulfatase; plus strand), VCX (variable charge X-linked; plus strand). Cytogenetic location: Xp22.31.
Variant type: copy number gain.
Change: copy number 3 of chrX:6,596,639-8,135,053 (1.54 Mb, GRCh37 coordinates, 1-based), cytogenetic band Xp22.31.
Identifiers: ClinVar variation 638126 (VCV000638126.2).